The following is an entry in ClinVar:

ClinVar aggregate classification (germline): Uncertain significance. Review status: criteria provided, multiple submitters, no conflicts (2 of 4 stars). 2 submissions from 2 submitters: Uncertain significance (2). Last evaluated 2024-02-13.

Conditions:
Hereditary cancer-predisposing syndrome. Also called: Neoplastic Syndromes, Hereditary; Tumor predisposition; Hereditary neoplastic syndrome; Hereditary Cancer Syndrome. Identifiers: Orphanet 140162, MedGen C0027672, MeSH D009386, MONDO:0015356.
Familial cancer of breast. Also called: BREAST CANCER, FAMILIAL; Hereditary breast cancer; hereditary breast carcinoma. Identifiers: Orphanet 227535, MedGen C0346153, MONDO:0016419, OMIM 114480. Disease mechanism: loss of function.

Submissions (2):

Baylor Genetics
Classification: Uncertain significance for Familial cancer of breast. Last evaluated: 2024-02-13. Review status: criteria provided, single submitter. Criteria: ACMG Guidelines, 2015. Collection method: clinical testing. Allele origin: unknown.

Ambry Genetics
Classification: Uncertain significance for Hereditary cancer-predisposing syndrome. Last evaluated: 2023-09-23. Review status: criteria provided, single submitter. Criteria: Ambry Variant Classification Scheme 2023. Collection method: clinical testing. Allele origin: germline.
Comment: The p.D191N variant (also known as c.571G>A), located in coding exon 6 of the BRCA2 gene, results from a G to A substitution at nucleotide position 571. The aspartic acid at codon 191 is replaced by asparagine, an amino acid with highly similar properties. In a large case-control study using multi-ethnic Asian cohorts, this variant was detected in 5/1218 individuals diagnosed with breast cancer and 11/1464 healthy controls (Lai KN et al. BMC Cancer, 2017 Feb;17:149). This amino acid position is well conserved in available vertebrate species. In addition, this alteration is predicted to be tolerated by in silico analysis. Since supporting evidence is limited at this time, the clinical significance of this alteration remains unclear.

Literature cited by the submitters: PubMed 28222693 (cited by Ambry Genetics).

NM_000059.4(BRCA2):c.571G>A (p.Asp191Asn)

Gene: BRCA2 (BRCA2 DNA repair associated; plus strand). Cytogenetic location: 13q13.1.
Variant type: single nucleotide variant.
Coding change: c.571G>A on transcript NM_000059.4 (MANE Select); coding-DNA position 571, G replaced by A.
Protein change: p.Asp191Asn; replaces aspartic acid 191 with asparagine.
Molecular consequence: missense variant. On other transcripts: non-coding transcript variant (1).
Genome position (GRCh38, 1-based): chr13:32,326,553, G>A. VCF-style: chr13-32326553-G-A. GRCh37 (hg19) VCF-style: chr13-32900690-G-A.
Other names: c.571G>A, p.Asp191Asn (NM_001406719.1, NM_001406720.1, NM_001406721.1); c.202G>A, p.Asp68Asn (NM_001406722.1); short protein forms D191N, D68N.
Identifiers: ClinVar variation 3227573 (VCV003227573.2), dbSNP rs1593887401, ClinGen allele CA387757976.